The following is an entry in ClinVar:

NM_001365088.1(SLC12A6):c.2934+12G>A

Gene: SLC12A6 (solute carrier family 12 member 6; minus strand). Cytogenetic location: 15q14.
Variant type: single nucleotide variant.
Coding change: c.2934+12G>A on transcript NM_001365088.1 (MANE Select); 12 bases into the intron after coding-DNA position 2934, G replaced by A.
Molecular consequence: intron variant.
Genome position (GRCh38, 1-based): chr15:34,237,407, C>T on the plus strand (G>A on the coding strand, the complement: SLC12A6 is on the minus strand). VCF-style: chr15-34237407-C-T. GRCh37 (hg19) VCF-style: chr15-34529608-C-T.
Other names: c.2757+12G>A (NM_001042495.2, NM_001042494.2); c.2907+12G>A (NM_001042496.2); c.2889+12G>A (NM_001042497.2); c.2934+12G>A (NM_133647.2); c.2781+12G>A (NM_005135.2).
Identifiers: ClinVar variation 1933768 (VCV001933768.5), dbSNP rs11854257, ClinGen allele CA2580089268.
Genomic context (GRCh38, chr15:34,237,407, plus strand): 5'-GAAAAGATTCAAGGAAGACAGGGAGAGGAATGGGGGAATGAACCTCTTGTATCTCAAACT[C>T]AGCTTTCTCACCATCTCCACCACTTCTACCTCCGCCTCAATGCGTAAGTGATATAGGAAG-3'

ClinVar aggregate classification (germline): Uncertain significance (1 of 4 stars; one submission).

gnomAD v4.1: 1 of 1,609,060 alleles (0.000062%); no homozygotes.

Submission:

Labcorp Genetics (formerly Invitae), Labcorp
Classification: Uncertain significance. Last evaluated: 2022-07-30. Review status: criteria provided, single submitter. Criteria: Invitae Variant Classification Sherloc (09022015). Collection method: clinical testing. Allele origin: germline.
Comment: This sequence change falls in intron 21 of the SLC12A6 gene. It does not directly change the encoded amino acid sequence of the SLC12A6 protein. This variant is not present in population databases (gnomAD no frequency). This variant has not been reported in the literature in individuals affected with SLC12A6-related conditions. Algorithms developed to predict the effect of sequence changes on RNA splicing suggest that this variant may disrupt the consensus splice site. In summary, the available evidence is currently insufficient to determine the role of this variant in disease. Therefore, it has been classified as a Variant of Uncertain Significance.